The following is an entry in ClinVar:

NM_001039213.4(CEACAM16):c.588C>T (p.Ala196=)

Genes: CEACAM16 (CEA cell adhesion molecule 16, tectorial membrane component; plus strand), CEACAM16-AS1 (CEACAM16, CEACAM19 and PVR antisense RNA 1; minus strand). Cytogenetic location: 19q13.32.
Variant type: single nucleotide variant.
Coding change: c.588C>T on transcript NM_001039213.4 (MANE Select); coding-DNA position 588, C replaced by T.
Protein change: p.Ala196=; no amino-acid change (alanine 196 retained).
Molecular consequence: synonymous variant.
Genome position (GRCh38, 1-based): chr19:44,704,223, C>T. VCF-style: chr19-44704223-C-T. GRCh37 (hg19) VCF-style: chr19-45207493-C-T.
Identifiers: ClinVar variation 3075945 (VCV003075945.1), dbSNP rs1414459671, ClinGen allele CA507945316.

ClinVar aggregate classification (germline): Likely benign (1 of 4 stars; one submission).

Allele frequency attached by ClinVar (database versions not stated): TOPMed below 0.00001; gnomAD 0.00001; gnomAD exomes 0.00001.

Submission:

Laboratory for Molecular Medicine, Mass General Brigham Personalized Medicine
Classification: Likely benign. Last evaluated: 2023-03-30. Review status: criteria provided, single submitter. Criteria: ACMG Guidelines, 2015. Collection method: clinical testing. Allele origin: germline.
Comment: The p.Ala196Ala variant in CEACAM16 is classified as likely benign because it does not alter an amino acid residue, is not located within the splice consensus site, and computational splice prediction tools do not predict an impact on splicing. It has been identified in 0.016% (2/12666) of East Asian chromosomes by gnomAD v.2. ACMG/AMP Criteria applied: BP4, BP7.